The following is an entry in ClinVar:

ClinVar aggregate classification (germline): Likely pathogenic (1 of 4 stars; one submission).

Conditions:
FGFR3-related chondrodysplasia. Identifiers: Orphanet 93420, MedGen C5681604, MONDO:0019685.

Submission:

Genomenon, Inc
Classification: Likely pathogenic for FGFR3-related chondrodysplasia. Last evaluated: 2026-06-23. Review status: criteria provided, single submitter. Criteria: Genomenon Sequence Variant Interpretation Standards - Updated. Collection method: curation. Allele origin: germline. Affected: yes.
Comment: FGFR3 p.Ser325_Leu326insPheSer (c.972_977dup) is an in-frame duplication that results in the insertion of two amino acids, Phenylalanine and Serine, between codons 325 and 326. This variant has been observed in at least one proband with an FGFR3-related disorder (PMID:33368972). At least one functional study has demonstrated a substantial alteration in protein function relative to the wild-type (PMID:33368972). It is absent or not present at a significant frequency in gnomAD. In conclusion, we classify FGFR3 p.Ser325_Leu326insPheSer (c.972_977dup) as a likely pathogenic variant.

Literature cited by the submitters: PubMed 33368972; PubMed 38281003; PubMed 34162030.

NM_000142.5(FGFR3):c.972_977dup (p.Ser325_Leu326insPheSer)

Gene: FGFR3 (fibroblast growth factor receptor 3; plus strand). Cytogenetic location: 4p16.3.
Variant type: Duplication.
Coding change: c.972_977dup on transcript NM_000142.5 (MANE Select); coding-DNA positions 972 to 977, 6 bases duplicated (CTCCTT; older notation c.972_977dupCTCCTT).
Protein change: p.Ser325_Leu326insPheSer.
Molecular consequence: inframe insertion. On other transcripts: non-coding transcript variant (1), intron variant (2).
Genome position (GRCh38, 1-based): chr4:1,803,733-1,803,738, CTCCTT duplicated; duplicating any 6 consecutive bases within chr4:1,803,732-1,803,738 gives the same sequence; the c. name uses the placement nearest the transcript's 3' end. VCF-style (leftmost placement, unchanged base first): chr4-1803731-C-CTCTCCT. GRCh37 (hg19) VCF-style: chr4-1805458-C-CTCTCCT.
Other names: c.972_977dup, p.Ser325_Leu326insPheSer (NM_001354809.2, NM_001354810.2); c.1082-597_1082-592dup (NM_001163213.2); c.931-1091_931-1086dup (NM_022965.4).
Identifiers: ClinVar variation 4857839 (VCV004857839.1).